The following is an entry in ClinVar:

ClinVar aggregate classification (germline): Uncertain significance (1 of 4 stars; one submission).

Allele frequency attached by ClinVar (database versions not stated): gnomAD exomes below 0.00001; ExAC 0.00001.
gnomAD v4.1: 2 of 1,613,940 alleles (0.00012%); highest among the groups gnomAD compares: Non-Finnish European, 0.00017%; no homozygotes.

Submission:

Labcorp Genetics (formerly Invitae), Labcorp
Classification: Uncertain significance. Last evaluated: 2023-11-10. Review status: criteria provided, single submitter. Criteria: Invitae Variant Classification Sherloc (09022015). Collection method: clinical testing. Allele origin: germline.
Comment: This sequence change replaces cysteine, which is neutral and slightly polar, with serine, which is neutral and polar, at codon 119 of the ALPL protein (p.Cys119Ser). This variant is present in population databases (rs774193109, gnomAD 0.0009%). This missense change has been observed in individual(s) with clinical features of hypophosphatasia (Invitae). This variant is also known as C102S. Advanced modeling of protein sequence and biophysical properties (such as structural, functional, and spatial information, amino acid conservation, physicochemical variation, residue mobility, and thermodynamic stability) performed at Invitae indicates that this missense variant is expected to disrupt ALPL protein function with a positive predictive value of 95%. Experimental studies have shown that this missense change does not substantially affect ALPL function (PMID: 17212778). In summary, the available evidence is currently insufficient to determine the role of this variant in disease. Therefore, it has been classified as a Variant of Uncertain Significance.

Literature cited by the submitters: PubMed 17212778.

NM_000478.6(ALPL):c.356G>C (p.Cys119Ser)

Gene: ALPL (alkaline phosphatase, biomineralization associated; plus strand). Cytogenetic location: 1p36.12.
Variant type: single nucleotide variant.
Coding change: c.356G>C on transcript NM_000478.6 (MANE Select); coding-DNA position 356, G replaced by C.
Protein change: p.Cys119Ser; replaces cysteine 119 with serine.
Molecular consequence: missense variant.
Genome position (GRCh38, 1-based): chr1:21,563,168, G>C. VCF-style: chr1-21563168-G-C. GRCh37 (hg19) VCF-style: chr1-21889661-G-C.
Other names: c.191G>C, p.Cys64Ser (NM_001127501.4); c.125G>C, p.Cys42Ser (NM_001177520.3); c.356G>C, p.Cys119Ser (NM_001369803.2, NM_001369804.2, NM_001369805.2); short protein forms C64S, C42S, C119S.
Identifiers: ClinVar variation 2811405 (VCV002811405.3), dbSNP rs774193109, ClinGen allele CA666465.